The following is an entry in ClinVar:

ClinVar aggregate classification (germline): Conflicting classifications of pathogenicity. Review status: criteria provided, conflicting classifications (1 of 4 stars). 4 submissions from 4 submitters: Likely pathogenic (2); Uncertain significance (2). Last evaluated 2025-09-17.

Conditions:
Deficiency of UDPglucose-hexose-1-phosphate uridylyltransferase. Also called: GALACTOSE-1-PHOSPHATE URIDYLYLTRANSFERASE DEFICIENCY; GALT deficiency; Galactosemia, classic; GALACTOSEMIA I; Transferase Deficiency Galactosemia. Identifiers: Orphanet 352, Orphanet 79239, MedGen C0268151, MONDO:0009258, OMIM 230400.

Allele frequency attached by ClinVar (database versions not stated): gnomAD exomes below 0.00001 and 0.00001; gnomAD 0.00001; TOPMed 0.00001.

Submissions (4):

Women's Health and Genetics/Laboratory Corporation of America, LabCorp
Classification: Uncertain significance. Last evaluated: 2025-09-17. Review status: criteria provided, single submitter. Criteria: LabCorp Variant Classification Summary - May 2015. Collection method: clinical testing. Allele origin: germline.
Comment: Variant summary: GALT c.142C>T (p.Arg48Cys) results in a non-conservative amino acid change in the encoded protein sequence. Algorithms developed to predict the effect of missense changes on protein structure and function all suggest that this variant is likely to be disruptive. The variant allele was found at a frequency of 7.9e-06 in 251630 control chromosomes (gnomAD). The available data on variant occurrences in the general population are insufficient to allow any conclusion about variant significance. c.142C>T has been observed in an individual affected with Galactosemia (Boutron_2012). These data do not allow any conclusion about variant significance. To our knowledge, no experimental evidence demonstrating an impact on protein function has been reported. The following publication has been ascertained in the context of this evaluation (PMID: 22944367). ClinVar contains an entry for this variant (Variation ID: 281058). Based on the evidence outlined above, the variant was classified as uncertain significance.

Labcorp Genetics (formerly Invitae), Labcorp
Classification: Likely pathogenic for Deficiency of UDPglucose-hexose-1-phosphate uridylyltransferase. Last evaluated: 2023-05-26. Review status: criteria provided, single submitter. Criteria: Invitae Variant Classification Sherloc (09022015). Collection method: clinical testing. Allele origin: germline.
Comment: In summary, the currently available evidence indicates that the variant is pathogenic, but additional data are needed to prove that conclusively. Therefore, this variant has been classified as Likely Pathogenic. This sequence change replaces arginine, which is basic and polar, with cysteine, which is neutral and slightly polar, at codon 48 of the GALT protein (p.Arg48Cys). This variant is present in population databases (no rsID available, gnomAD 0.003%). This missense change has been observed in individual(s) with galactose-1-phosphate uridylyltransferase deficiency (PMID: 22944367). ClinVar contains an entry for this variant (Variation ID: 281058). Advanced modeling of protein sequence and biophysical properties (such as structural, functional, and spatial information, amino acid conservation, physicochemical variation, residue mobility, and thermodynamic stability) performed at Invitae indicates that this missense variant is expected to disrupt GALT protein function. This variant disrupts the p.Arg48 amino acid residue in GALT. Other variant(s) that disrupt this residue have been observed in individuals with GALT-related conditions (PMID: 31194895), which suggests that this may be a clinically significant amino acid residue.

Baylor Genetics
Classification: Likely pathogenic for Deficiency of UDPglucose-hexose-1-phosphate uridylyltransferase. Last evaluated: 2023-03-21. Review status: criteria provided, single submitter. Criteria: ACMG Guidelines, 2015. Collection method: clinical testing. Allele origin: unknown.

Eurofins Ntd Llc (ga)
Classification: Uncertain significance. Last evaluated: 2015-09-18. Review status: criteria provided, single submitter. Criteria: EGL Classification Definitions 2015. Collection method: clinical testing. Allele origin: germline. Observed: 1 variant allele, 1 heterozygote.

Literature cited by the submitters: PubMed 22944367 (cited by Women's Health and Genetics/Laboratory Corporation of America, LabCorp and Labcorp Genetics (formerly Invitae), Labcorp); PubMed 31194895 (cited by Labcorp Genetics (formerly Invitae), Labcorp).

NM_000155.4(GALT):c.142C>T (p.Arg48Cys)

Genes: GALT (galactose-1-phosphate uridylyltransferase; plus strand), LOC130001683 (ATAC-STARR-seq lymphoblastoid active region 28314; plus strand). Cytogenetic location: 9p13.3.
Variant type: single nucleotide variant.
Coding change: c.142C>T on transcript NM_000155.4 (MANE Select); coding-DNA position 142, C replaced by T.
Protein change: p.Arg48Cys; replaces arginine 48 with cysteine.
Molecular consequence: missense variant. On other transcripts: 5 prime UTR variant (1).
Genome position (GRCh38, 1-based): chr9:34,647,148, C>T. VCF-style: chr9-34647148-C-T. GRCh37 (hg19) VCF-style: chr9-34647145-C-T.
Other names: c.-61C>T (NM_001258332.2); short protein forms R48C.
Identifiers: ClinVar variation 281058 (VCV000281058.11), dbSNP rs886042088, ClinGen allele CA10603796.